The following is an entry in ClinVar:

NM_001242896.3(DEPDC5):c.4645G>T (p.Ala1549Ser)

Gene: DEPDC5 (DEP domain containing 5, GATOR1 subcomplex subunit; plus strand). Cytogenetic location: 22q12.3.
Variant type: single nucleotide variant.
Coding change: c.4645G>T on transcript NM_001242896.3 (MANE Select); coding-DNA position 4645, G replaced by T.
Protein change: p.Ala1549Ser; replaces alanine 1549 with serine.
Molecular consequence: missense variant. On other transcripts: non-coding transcript variant (5).
Genome position (GRCh38, 1-based): chr22:31,906,330, G>T. VCF-style: chr22-31906330-G-T. GRCh37 (hg19) VCF-style: chr22-32302316-G-T.
Other names: c.4618G>T, p.Ala1540Ser (NM_001136029.4); c.4345G>T, p.Ala1449Ser (NM_001242897.2); c.4579G>T, p.Ala1527Ser (NM_001363852.2, NM_001364320.2); c.4411G>T, p.Ala1471Ser (NM_001363854.2, NM_001364319.2); c.4645G>T, p.Ala1549Ser (NM_001364318.2); c.4561G>T, p.Ala1521Ser (NM_001369901.1, NM_001369902.1); c.4552G>T, p.Ala1518Ser (NM_001369903.1, NM_014662.6); short protein forms A1449S, A1521S, A1540S, A1518S, A1527S, A1549S, A1471S.
Identifiers: ClinVar variation 4239661 (VCV004239661.3).
Genomic context (GRCh38, chr22:31,906,330, plus strand): 5'-AACTCCACCAGCTCCACCAACCAGAACATGTTCTGCGAGGAGCGGGTCGGCTACAACTGG[G>T]CCTACAACACCATGCTCACCAAAACATGGCGCTCCAGCGCCACAGGGGATGAAAAGTTTG-3'
Protein context (NP_001229825.1, residues 1539-1559): FCEERVGYNW[Ala1549Ser]YNTMLTKTWR

ClinVar aggregate classification (germline): Conflicting classifications of pathogenicity. Review status: criteria provided, conflicting classifications (1 of 4 stars). 3 submissions from 3 submitters: Uncertain significance (2); Likely benign (1). Last evaluated 2026-04-01.

Conditions:
Familial focal epilepsy with variable foci (FPEVF). Identifiers: Orphanet 98820, MedGen C1858477, MONDO:0020310.
Inborn genetic diseases. Identifiers: MedGen C0950123, MeSH D030342.

gnomAD v4.1: 20 of 1,614,006 alleles (0.0012%); highest among the groups gnomAD compares: Non-Finnish European, 0.0017%; no homozygotes.

Submissions (3):

GeneDx
Classification: Likely benign. Last evaluated: 2026-04-01. Review status: criteria provided, single submitter. Criteria: GeneDx Variant Classification Process June 2021. Collection method: clinical testing. Allele origin: germline.
Comment: See Variant Classification Assertion Criteria.

Ambry Genetics
Classification: Uncertain significance for Inborn genetic diseases. Last evaluated: 2025-08-19. Review status: criteria provided, single submitter. Criteria: Ambry Variant Classification Scheme 2023. Collection method: clinical testing. Allele origin: germline.

Labcorp Genetics (formerly Invitae), Labcorp
Classification: Uncertain significance for Familial focal epilepsy with variable foci. Last evaluated: 2025-02-18. Review status: criteria provided, single submitter. Criteria: Invitae Variant Classification Sherloc (09022015). Collection method: clinical testing. Allele origin: germline.
Comment: This sequence change replaces alanine, which is neutral and non-polar, with serine, which is neutral and polar, at codon 1549 of the DEPDC5 protein (p.Ala1549Ser). The frequency data for this variant in the population databases is considered unreliable, as metrics indicate poor data quality at this position in the gnomAD database. This variant has not been reported in the literature in individuals affected with DEPDC5-related conditions. Experimental studies and prediction algorithms are not available or were not evaluated, and the functional significance of this variant is currently unknown. In summary, the available evidence is currently insufficient to determine the role of this variant in disease. Therefore, it has been classified as a Variant of Uncertain Significance.